The following is an entry in ClinVar:

ClinVar aggregate classification (germline): Pathogenic. Review status: criteria provided, multiple submitters, no conflicts (2 of 4 stars). 7 submissions from 7 submitters: Pathogenic (7). Last evaluated 2025-06-12.

Conditions:
Glutaric acidemia type 2C.
Multiple acyl-CoA dehydrogenase deficiency (MADD). Also called: ETHYLMALONIC-ADIPICACIDURIA; GA II; Glutaric aciduria, type 2; Glutaric acidemia type II; GA 2; Glutaric Acidemia type 2. Identifiers: Orphanet 26791, MedGen C0268596, MONDO:0009282, OMIM 231680.

Allele frequency attached by ClinVar (database versions not stated): ExAC 0.00001; gnomAD 0.00001; gnomAD exomes 0.00001; 1000 Genomes Project 30x 0.00047; TOPMed 0.00003; 1000 Genomes Project 0.00040.

Submissions (7):

Natera, Inc.
Classification: Pathogenic for Glutaric acidemia type 2C. Last evaluated: 2025-06-12. Review status: criteria provided, single submitter. Criteria: Natera Variant Classification Schema (03/2026). Collection method: clinical testing. Allele origin: germline.
Comment: The c.389A>T variant in ETFDH is a missense variant predicted to cause substitution of aspartic acid to valine at amino acid 130. This variant is rare in the general population with a frequency below the threshold expected for the associated phenotype(s). This variant has been observed in one or more individuals affected with the associated recessive disease, as either homozygous or compound heterozygous with a second variant (PMID: 24357026). Computational prediction algorithms indicate this variant is likely to affect gene or protein function. Given the available evidence, this variant is classified as Pathogenic.

Women's Health and Genetics/Laboratory Corporation of America, LabCorp
Classification: Pathogenic for Multiple acyl-CoA dehydrogenase deficiency. Last evaluated: 2024-10-17. Review status: criteria provided, single submitter. Criteria: LabCorp Variant Classification Summary - May 2015. Collection method: clinical testing. Allele origin: germline.
Comment: Variant summary: ETFDH c.389A>T (p.Asp130Val) results in a non-conservative amino acid change in the encoded protein sequence. Five of five in-silico tools predict a damaging effect of the variant on protein function. The variant allele was found at a frequency of 1.2e-05 in 251308 control chromosomes (gnomAD). c.389A>T has been reported in the literature in multiple individuals affected with Glutaric Aciduria, Type 2c (e.g. Wen_2022). These data indicate that the variant is very likely to be associated with disease. The following publication has been ascertained in the context of this evaluation (PMID: 34718578). ClinVar contains an entry for this variant (Variation ID: 656755). Based on the evidence outlined above, the variant was classified as pathogenic.

Kariminejad - Najmabadi Pathology & Genetics Center
Classification: Pathogenic for Multiple acyl-CoA dehydrogenase deficiency. Last evaluated: 2024-08-03. Review status: criteria provided, single submitter. Criteria: ACMG Guidelines, 2015. Collection method: clinical testing. Allele origin: germline. Inheritance: Autosomal recessive inheritance. Affected: yes.
Comment: PM1,PP2,PP3(Moderate),PM3(Strong),PM2

Baylor Genetics
Classification: Pathogenic for Multiple acyl-CoA dehydrogenase deficiency. Last evaluated: 2024-03-16. Review status: criteria provided, single submitter. Criteria: ACMG Guidelines, 2015. Collection method: clinical testing. Allele origin: unknown.

Fulgent Genetics
Classification: Pathogenic for Multiple acyl-CoA dehydrogenase deficiency. Last evaluated: 2024-03-04. Review status: criteria provided, single submitter. Criteria: ACMG Guidelines, 2015. Collection method: clinical testing. Allele origin: germline.

Labcorp Genetics (formerly Invitae), Labcorp
Classification: Pathogenic for Multiple acyl-CoA dehydrogenase deficiency. Last evaluated: 2023-11-28. Review status: criteria provided, single submitter. Criteria: Invitae Variant Classification Sherloc (09022015). Collection method: clinical testing. Allele origin: germline.
Comment: This sequence change replaces aspartic acid, which is acidic and polar, with valine, which is neutral and non-polar, at codon 130 of the ETFDH protein (p.Asp130Val). This variant is present in population databases (rs199899494, gnomAD 0.01%). This missense change has been observed in individual(s) with ETFDH-related conditions (PMID: 19758981, 23628458, 24357026, 24522293, 25913573, 29336361). In at least one individual the data is consistent with being in trans (on the opposite chromosome) from a pathogenic variant. ClinVar contains an entry for this variant (Variation ID: 656755). Advanced modeling of protein sequence and biophysical properties (such as structural, functional, and spatial information, amino acid conservation, physicochemical variation, residue mobility, and thermodynamic stability) performed at Invitae indicates that this missense variant is expected to disrupt ETFDH protein function with a positive predictive value of 80%. For these reasons, this variant has been classified as Pathogenic.

Juno Genomics, Hangzhou Juno Genomics, Inc
Classification: Pathogenic for Multiple acyl-CoA dehydrogenase deficiency. Review status: criteria provided, single submitter. Criteria: ACMG Guidelines, 2015. Collection method: clinical testing. Allele origin: germline.
Comment: Absent from controls (or at extremely low frequency if recessive) in Genome Aggregation Database.;Multiple lines of computational evidence support a deleterious effect on the gene or gene product.;For recessive disorders, detected in trans with a pathogenic variant.;Patient's phenotype or family history is highly specific for a disease with a single genetic etiology.

Literature cited by the submitters: PubMed 24357026 (cited by Natera, Inc. and Labcorp Genetics (formerly Invitae), Labcorp); PubMed 34718578 (cited by Women's Health and Genetics/Laboratory Corporation of America, LabCorp); PubMed 19758981 (cited by Labcorp Genetics (formerly Invitae), Labcorp); PubMed 23628458 (cited by Labcorp Genetics (formerly Invitae), Labcorp); PubMed 24522293 (cited by Labcorp Genetics (formerly Invitae), Labcorp); PubMed 25913573 (cited by Labcorp Genetics (formerly Invitae), Labcorp); PubMed 29336361 (cited by Labcorp Genetics (formerly Invitae), Labcorp).

NM_004453.4(ETFDH):c.389A>T (p.Asp130Val)

Gene: ETFDH (electron transfer flavoprotein dehydrogenase; plus strand). Cytogenetic location: 4q32.1.
Variant type: single nucleotide variant.
Coding change: c.389A>T on transcript NM_004453.4 (MANE Select); coding-DNA position 389, A replaced by T.
Protein change: p.Asp130Val; replaces aspartic acid 130 with valine.
Molecular consequence: missense variant.
Genome position (GRCh38, 1-based): chr4:158,682,408, A>T. VCF-style: chr4-158682408-A-T. GRCh37 (hg19) VCF-style: chr4-159603560-A-T.
Other names: c.248A>T, p.Asp83Val (NM_001281737.2); c.206A>T, p.Asp69Val (NM_001281738.1); short protein forms D83V, D130V, D69V.
Identifiers: ClinVar variation 656755 (VCV000656755.19), dbSNP rs199899494, ClinGen allele CA3122330.